The following is an entry in ClinVar:

ClinVar aggregate classification (germline): Uncertain significance (1 of 4 stars; one submission).

Conditions:
Craniolenticulosutural dysplasia (CLSD). Also called: BOYADJIEV-JABS SYNDROME. Identifiers: Orphanet 50814, MedGen C1843042, MONDO:0011911, OMIM 607812.

Submission:

Labcorp Genetics (formerly Invitae), Labcorp
Classification: Uncertain significance for Craniolenticulosutural dysplasia. Last evaluated: 2024-10-29. Review status: criteria provided, single submitter. Criteria: Invitae Variant Classification Sherloc (09022015). Collection method: clinical testing. Allele origin: germline.
Comment: This sequence change replaces serine, which is neutral and polar, with tyrosine, which is neutral and polar, at codon 567 of the SEC23A protein (p.Ser567Tyr). This variant is not present in population databases (gnomAD no frequency). This variant has not been reported in the literature in individuals affected with SEC23A-related conditions. Invitae Evidence Modeling of protein sequence and biophysical properties (such as structural, functional, and spatial information, amino acid conservation, physicochemical variation, residue mobility, and thermodynamic stability) indicates that this missense variant is expected to disrupt SEC23A protein function with a positive predictive value of 80%. In summary, the available evidence is currently insufficient to determine the role of this variant in disease. Therefore, it has been classified as a Variant of Uncertain Significance.

NM_006364.4(SEC23A):c.1700C>A (p.Ser567Tyr)

Gene: SEC23A (SEC23 homolog A, COPII component; minus strand). Cytogenetic location: 14q21.1.
Variant type: single nucleotide variant.
Coding change: c.1700C>A on transcript NM_006364.4 (MANE Select); coding-DNA position 1700, C replaced by A.
Protein change: p.Ser567Tyr; replaces serine 567 with tyrosine.
Molecular consequence: missense variant.
Genome position (GRCh38, 1-based): chr14:39,048,689, G>T on the plus strand (C>A on the coding strand, the complement: SEC23A is on the minus strand). VCF-style: chr14-39048689-G-T. GRCh37 (hg19) VCF-style: chr14-39517893-G-T.
Other names: short protein forms S567Y.
Identifiers: ClinVar variation 3683486 (VCV003683486.2).